The following is an entry in ClinVar:

ClinVar aggregate classification (germline): Benign/Likely benign. Review status: criteria provided, multiple submitters, no conflicts (2 of 4 stars). 6 submissions from 6 submitters: Benign (4); Likely benign (1). 1 of the submissions does not count toward it. Last evaluated 2026-01-31.

Conditions:
ADGRG1-related disorder. Also called: ADGRG1-related condition.

Allele frequency attached by ClinVar (database versions not stated): gnomAD exomes 0.00102; ExAC 0.00129; 1000 Genomes Project 0.00300; 1000 Genomes Project 30x 0.00359; gnomAD 0.00444 and 0.00481; ESP Exome Variant Server 0.00523; TOPMed 0.00532.
gnomAD v4.1: 1,321 of 1,614,002 alleles (0.082%); highest among the groups gnomAD compares: African/African-American, 1.6%; 7 homozygotes.

Submissions (6):

Labcorp Genetics (formerly Invitae), Labcorp
Classification: Benign. Last evaluated: 2026-01-31. Review status: criteria provided, single submitter. Criteria: Invitae Variant Classification Sherloc (09022015). Collection method: clinical testing. Allele origin: germline.

Blueprint Genetics
Classification: Likely benign. Last evaluated: 2024-10-22. Review status: criteria provided, single submitter. Criteria: ACMG Guidelines, 2015. Collection method: clinical testing. Allele origin: germline.

GeneDx
Classification: Benign. Last evaluated: 2019-10-10. Review status: criteria provided, single submitter. Criteria: GeneDx Variant Classification Process June 2021. Collection method: clinical testing. Allele origin: germline. Affected: yes.

Athena Diagnostics
Classification: Benign. Last evaluated: 2018-10-18. Review status: criteria provided, single submitter. Criteria: Athena Diagnostics Criteria. Collection method: clinical testing. Allele origin: germline.

Breakthrough Genomics
Classification: Benign. Review status: criteria provided, single submitter. Criteria: ACMG Guidelines, 2015. Collection method: not provided. Allele origin: germline. Inheritance: Autosomal recessive inheritance. Affected: yes.

PreventionGenetics, part of Exact Sciences
Classification: Benign for ADGRG1-related condition. Last evaluated: 2020-01-17. Review status: no assertion criteria provided. Collection method: clinical testing. Allele origin: germline. Not counted in ClinVar's aggregate classification.
Comment: This variant is classified as benign based on ACMG/AMP sequence variant interpretation guidelines (Richards et al. 2015 PMID: 25741868, with internal and published modifications).

NM_201525.4(ADGRG1):c.236G>A (p.Arg79Gln)

Gene: ADGRG1 (adhesion G protein-coupled receptor G1; plus strand). Cytogenetic location: 16q21.
Variant type: single nucleotide variant.
Coding change: c.236G>A on transcript NM_201525.4 (MANE Select); coding-DNA position 236, G replaced by A.
Protein change: p.Arg79Gln; replaces arginine 79 with glutamine.
Molecular consequence: missense variant. On other transcripts: 5 prime UTR variant (5), intron variant (1).
Genome position (GRCh38, 1-based): chr16:57,651,371, G>A. VCF-style: chr16-57651371-G-A. GRCh37 (hg19) VCF-style: chr16-57685283-G-A.
Other names: c.236G>A, p.Arg79Gln (NM_001145770.3, NM_001145771.3, NM_001145772.3 and 16 more transcripts); c.251G>A, p.Arg84Gln (NM_001145773.3, NM_001370433.1); c.-290G>A (NM_001290143.2, NM_001290144.2, NM_001370451.1 and 2 more transcripts); c.80G>A, p.Arg27Gln (NM_001370442.1); c.110+126G>A (NM_001290142.2); short protein forms R79Q, R84Q, R27Q.
Identifiers: ClinVar variation 380666 (VCV000380666.18), dbSNP rs13338340, ClinGen allele CA8078322.
Genomic context (GRCh38, chr16:57,651,371, plus strand): 5'-AGAACTCCGAAGAGGCCCTCACAGTCCATGCCCCTTTCCCTGCAGCCCACCCTGCTTCCC[G>A]ATCCTTCCCTGACCCCAGGGGCCTCTACCACTTCTGCCTCTACTGGAACCGACATGCTGG-3'
Protein context (NP_958933.1, residues 69-89): APFPAAHPAS[Arg79Gln]SFPDPRGLYH